The following is an entry in ClinVar:

ClinVar aggregate classification (germline): Conflicting classifications of pathogenicity. Review status: criteria provided, conflicting classifications (1 of 4 stars). 4 submissions from 4 submitters: Uncertain significance (3); Likely benign (1). Last evaluated 2025-07-01.

Conditions:
ELN-related disorder.
Supravalvar aortic stenosis (SVAS). Also called: Supravalvar aortic stenosis, Eisenberg type. Identifiers: Orphanet 3193, MedGen C0003499, MONDO:0008504, OMIM 185500, HP:0004381.

Allele frequency attached by ClinVar (database versions not stated): gnomAD 0.00001 and 0.00002; gnomAD exomes 0.00001 and 0.00002; TOPMed 0.00002; ExAC 0.00004.
gnomAD v4.1: 34 of 1,607,170 alleles (0.0021%); highest among the groups gnomAD compares: Middle Eastern, 0.099%; 1 homozygote.

Submissions (4):

CeGaT Center for Human Genetics Tuebingen
Classification: Likely benign. Last evaluated: 2025-07-01. Review status: criteria provided, single submitter. Criteria: CeGaT Center For Human Genetics Tuebingen Variant Classification Criteria Version 2. Collection method: clinical testing. Allele origin: germline. Affected: yes. Observed: 2 variant alleles.
Comment: ELN: BP4, BS2

Labcorp Genetics (formerly Invitae), Labcorp
Classification: Uncertain significance for Supravalvar aortic stenosis. Last evaluated: 2025-05-06. Review status: criteria provided, single submitter. Criteria: Invitae Variant Classification Sherloc (09022015). Collection method: clinical testing. Allele origin: germline.
Comment: This sequence change replaces glycine, which is neutral and non-polar, with serine, which is neutral and polar, at codon 679 of the ELN protein (p.Gly679Ser). The frequency data for this variant in the population databases is considered unreliable, as metrics indicate poor data quality at this position in the gnomAD database. This variant has not been reported in the literature in individuals affected with ELN-related conditions. ClinVar contains an entry for this variant (Variation ID: 424293). Invitae Evidence Modeling of protein sequence and biophysical properties (such as structural, functional, and spatial information, amino acid conservation, physicochemical variation, residue mobility, and thermodynamic stability) indicates that this missense variant is not expected to disrupt ELN protein function with a negative predictive value of 80%. In summary, the available evidence is currently insufficient to determine the role of this variant in disease. Therefore, it has been classified as a Variant of Uncertain Significance.

PreventionGenetics, part of Exact Sciences
Classification: Uncertain significance for ELN-related condition. Last evaluated: 2023-02-08. Review status: criteria provided, single submitter. Criteria: ACMG Guidelines, 2015. Collection method: clinical testing. Allele origin: germline.
Comment: The ELN c.1849G>A variant is predicted to result in the amino acid substitution p.Gly617Ser. To our knowledge, this variant has not been reported in the literature. This variant is reported in 0.0071% of alleles in individuals of South Asian descent in gnomAD. At this time, the clinical significance of this variant is uncertain due to the absence of conclusive functional and genetic evidence.

GeneDx
Classification: Uncertain significance. Last evaluated: 2017-03-20. Review status: criteria provided, single submitter. Criteria: GeneDx Variant Classification (06012015). Collection method: clinical testing. Allele origin: germline. Affected: yes.
Comment: A variant of uncertain significance has been identified in the ELN gene. The G617S variant has not been published as pathogenic or been reported as benign to our knowledge. This variant is not observed at a significant frequency in large population cohorts (Lek et al., 2016; 1000 Genomes Consortium et al., 2015; Exome Variant Server). The G617S variant is a non-conservative amino acid substitution, which is likely to impact secondary protein structure as these residues differ in polarity, charge, size and/or other properties. Nevertheless, this substitution occurs at a position that is not conserved. Additionally, in silico analysis is inconsistent in its predictions as to whether or not the variant is damaging to the protein structure/function.

NM_000501.4(ELN):c.1849G>A (p.Gly617Ser)

Gene: ELN (elastin; plus strand). Cytogenetic location: 7q11.23.
Variant type: single nucleotide variant.
Coding change: c.1849G>A on transcript NM_000501.4 (MANE Select); coding-DNA position 1849, G replaced by A.
Protein change: p.Gly617Ser; replaces glycine 617 with serine.
Molecular consequence: missense variant.
Genome position (GRCh38, 1-based): chr7:74,063,215, G>A. VCF-style: chr7-74063215-G-A. GRCh37 (hg19) VCF-style: chr7-73477545-G-A.
Other names: c.1849G>A (NM_000501.3); c.1762G>A, p.Gly588Ser (NM_001081752.3); c.1807G>A, p.Gly603Ser (NM_001081753.3); c.1864G>A, p.Gly622Ser (NM_001081754.3); c.1792G>A, p.Gly598Ser (NM_001081755.3); c.1849G>A, p.Gly617Ser (NM_001278912.2); c.1606G>A, p.Gly536Ser (NM_001278913.2); c.1777G>A, p.Gly593Ser (NM_001278914.2); and 5 more; short protein forms G617S, G528S, G569S, G593S, G607S, G598S, G603S, G622S.
Identifiers: ClinVar variation 424293 (VCV000424293.40), dbSNP rs781904032, ClinGen allele CA4293254.